The following is an entry in ClinVar:

NM_000368.5(TSC1):c.3269T>C (p.Met1090Thr)

Gene: TSC1 (TSC complex subunit 1; minus strand). Cytogenetic location: 9q34.13.
Variant type: single nucleotide variant.
Coding change: c.3269T>C on transcript NM_000368.5 (MANE Select); coding-DNA position 3269, T replaced by C.
Protein change: p.Met1090Thr; replaces methionine 1090 with threonine.
Molecular consequence: missense variant. On other transcripts: non-coding transcript variant (5).
Genome position (GRCh38, 1-based): chr9:132,896,461, A>G on the plus strand (T>C on the coding strand, the complement: TSC1 is on the minus strand). VCF-style: chr9-132896461-A-G. GRCh37 (hg19) VCF-style: chr9-135771848-A-G.
Other names: c.3266T>C, p.Met1089Thr (NM_001162426.2, NM_001406597.1, NM_001406598.1 and 2 more transcripts); c.3116T>C, p.Met1039Thr (NM_001162427.2, NM_001406610.1); c.2906T>C, p.Met969Thr (NM_001362177.2, NM_001406614.1, NM_001406615.1 and 4 more transcripts); c.3269T>C, p.Met1090Thr (NM_001406592.1, NM_001406593.1, NM_001406594.1 and 2 more transcripts); c.3254T>C, p.Met1085Thr (NM_001406601.1, NM_001406602.1); c.3251T>C, p.Met1084Thr (NM_001406603.1, NM_001406604.1); c.3227T>C, p.Met1076Thr (NM_001406605.1, NM_001406606.1, NM_001406607.1); c.3224T>C, p.Met1075Thr (NM_001406608.1, NM_001406609.1); and 8 more; short protein forms M1038T, M1076T, M954T, M1024T, M1084T, M1085T, M1089T, M739T.
Identifiers: ClinVar variation 2841972 (VCV002841972.4), dbSNP rs2131597704, ClinGen allele CA375366784.

ClinVar aggregate classification (germline): Uncertain significance. Review status: criteria provided, multiple submitters, no conflicts (2 of 4 stars). 2 submissions from 2 submitters: Uncertain significance (2). Last evaluated 2026-07-06.

Conditions:
Tuberous sclerosis 1 (TSC1). Identifiers: Orphanet 805, MedGen C1854465, MONDO:0008612, OMIM 191100.
Hereditary cancer-predisposing syndrome. Also called: Hereditary Cancer Syndrome; Hereditary neoplastic syndrome; Neoplastic Syndromes, Hereditary; Tumor predisposition. Identifiers: Orphanet 140162, MedGen C0027672, MeSH D009386, MONDO:0015356.

Submissions (2):

Ambry Genetics
Classification: Uncertain significance for Hereditary cancer-predisposing syndrome. Last evaluated: 2026-07-06. Review status: criteria provided, single submitter. Criteria: Ambry Variant Classification Scheme 2023. Collection method: clinical testing. Allele origin: germline.
Comment: The p.M1090T variant (also known as c.3269T>C), located in coding exon 21 of the TSC1 gene, results from a T to C substitution at nucleotide position 3269. The methionine at codon 1090 is replaced by threonine, an amino acid with similar properties. This amino acid position is conserved. In addition, the in silico prediction for this alteration is inconclusive. Based on the available evidence, the clinical significance of this variant remains unclear.

Labcorp Genetics (formerly Invitae), Labcorp
Classification: Uncertain significance for Tuberous sclerosis 1. Last evaluated: 2023-03-01. Review status: criteria provided, single submitter. Criteria: Invitae Variant Classification Sherloc (09022015). Collection method: clinical testing. Allele origin: germline.
Comment: In summary, the available evidence is currently insufficient to determine the role of this variant in disease. Therefore, it has been classified as a Variant of Uncertain Significance. Advanced modeling of protein sequence and biophysical properties (such as structural, functional, and spatial information, amino acid conservation, physicochemical variation, residue mobility, and thermodynamic stability) performed at Invitae indicates that this missense variant is not expected to disrupt TSC1 protein function. This variant has not been reported in the literature in individuals affected with TSC1-related conditions. This variant is not present in population databases (gnomAD no frequency). This sequence change replaces methionine, which is neutral and non-polar, with threonine, which is neutral and polar, at codon 1090 of the TSC1 protein (p.Met1090Thr).